The following is an entry in ClinVar:

ClinVar aggregate classification (germline): Pathogenic (1 of 4 stars; one submission).

Conditions:
Diamond-Blackfan anemia. Also called: Blackfan Diamond syndrome; Aregenerative anemia chronic congenital; Red cell aplasia, pure hereditary; Congenital hypoplastic anemia; Aase syndrome. Identifiers: Orphanet 124, MedGen C1260899, MeSH D029503, MONDO:0015253, HP:0004810.

Submission:

Ambry Genetics
Classification: Pathogenic for Diamond-Blackfan anemia. Last evaluated: 2017-06-09. Review status: criteria provided, single submitter. Criteria: Ambry Variant Classification Scheme 2023. Collection method: clinical testing. Allele origin: germline.
Comment: The c.21delA pathogenic mutation, located in coding exon 1 of the RPS19 gene, results from a deletion of one nucleotide at nucleotide position 21, causing a translational frameshift with a predicted alternate stop codon (p.D8Tfs*2). This alteration is expected to result in loss of function by premature protein truncation or nonsense-mediated mRNA decay. As such, this alteration is interpreted as a disease-causing mutation.

NM_001022.4(RPS19):c.21del (p.Asp8fs)

Genes: RPS19 (ribosomal protein S19; plus strand), RPS19-CD79A (RPS19-CD79A readthrough; plus strand). Cytogenetic location: 19q13.2.
Variant type: Deletion.
Coding change: c.21del on transcript NM_001022.4 (MANE Select); coding-DNA position 21, one base deleted (A; older notation c.21delA).
Protein change: p.Asp8fs; shifts the reading frame from aspartic acid 8.
Molecular consequence: frameshift variant.
Genome position (GRCh38, 1-based): chr19:41,860,795, A deleted; the last of 4 consecutive A bases (chr19:41,860,792-41,860,795); deleting any one gives the same sequence. VCF-style (leftmost placement, unchanged base first): chr19-41860791-TA-T. GRCh37 (hg19) VCF-style: chr19-42364861-TA-T.
Other names: c.21del, p.Asp8fs (NM_001321483.2, NM_001321484.2, NM_001321485.2); short protein forms D8fs.
Identifiers: ClinVar variation 1787597 (VCV001787597.2), dbSNP rs1555839022, ClinGen allele CA633181039.